The following is an entry in ClinVar:

NM_001080449.3(DNA2):c.2785A>G (p.Lys929Glu)

Gene: DNA2 (DNA replication helicase/nuclease 2; minus strand). Cytogenetic location: 10q21.3.
Variant type: single nucleotide variant.
Coding change: c.2785A>G on transcript NM_001080449.3 (MANE Select); coding-DNA position 2785, A replaced by G.
Protein change: p.Lys929Glu; replaces lysine 929 with glutamic acid.
Molecular consequence: missense variant. On other transcripts: non-coding transcript variant (1).
Genome position (GRCh38, 1-based): chr10:68,419,805, T>C on the plus strand (A>G on the coding strand, the complement: DNA2 is on the minus strand). VCF-style: chr10-68419805-T-C. GRCh37 (hg19) VCF-style: chr10-70179562-T-C.
Other names: p.Lys929Glu; c.2785A>G (NM_001080449.2); short protein forms K929E.
Identifiers: ClinVar variation 3379964 (VCV003379964.4).
Genomic context (GRCh38, chr10:68,419,805, plus strand): 5'-TCTAACATTCTTTTATTCTGCACTTTAATATTTGCTAGCCTTGAAAATTCTAAATTACCT[T>C]AACAAAAATGGAGGTTAGGAAAACTATGAGTTTGGCTTCTGTTACATTGCTCACACCACC-3'
Protein context (NP_001073918.2, residues 919-939): LIVFLTSIFV[Lys929Glu]AGCSPSDIGI

ClinVar aggregate classification (germline): Uncertain significance. Review status: criteria provided, multiple submitters, no conflicts (2 of 4 stars). 3 submissions from 3 submitters: Uncertain significance (3). Last evaluated 2026-04-16.

Submissions (3):

GeneDx
Classification: Uncertain significance. Last evaluated: 2026-04-16. Review status: criteria provided, single submitter. Criteria: GeneDx Variant Classification Process June 2021. Collection method: clinical testing. Allele origin: germline.
Comment: Not observed at significant frequency in large population cohorts (gnomAD); In silico analysis suggests that this missense variant does not alter protein structure/function; Has not been previously published as pathogenic or benign to our knowledge

Mayo Clinic Laboratories, Mayo Clinic
Classification: Uncertain significance. Last evaluated: 2024-05-21. Review status: criteria provided, single submitter. Criteria: ACMG Guidelines, 2015. Collection method: clinical testing. Allele origin: germline. Observed: 1 variant allele.
Comment: PP3, PM2

Labcorp Genetics (formerly Invitae), Labcorp
Classification: Uncertain significance. Last evaluated: 2024-05-09. Review status: criteria provided, single submitter. Criteria: Invitae Variant Classification Sherloc (09022015). Collection method: clinical testing. Allele origin: germline.
Comment: This sequence change replaces lysine, which is basic and polar, with glutamic acid, which is acidic and polar, at codon 929 of the DNA2 protein (p.Lys929Glu). This variant is not present in population databases (gnomAD no frequency). This variant has not been reported in the literature in individuals affected with DNA2-related conditions. Experimental studies and prediction algorithms are not available or were not evaluated, and the functional significance of this variant is currently unknown. In summary, the available evidence is currently insufficient to determine the role of this variant in disease. Therefore, it has been classified as a Variant of Uncertain Significance.